The following is an entry in ClinVar:

NM_014956.5(CEP164):c.259C>A (p.Pro87Thr)

Gene: CEP164 (centrosomal protein 164; plus strand). Cytogenetic location: 11q23.3.
Variant type: single nucleotide variant.
Coding change: c.259C>A on transcript NM_014956.5 (MANE Select); coding-DNA position 259, C replaced by A.
Protein change: p.Pro87Thr; replaces proline 87 with threonine.
Molecular consequence: missense variant.
Genome position (GRCh38, 1-based): chr11:117,351,854, C>A. VCF-style: chr11-117351854-C-A. GRCh37 (hg19) VCF-style: chr11-117222570-C-A.
Other names: c.259C>A, p.Pro87Thr (NM_001271933.2, NM_001440949.1, NM_001440950.1 and 36 more transcripts); c.121C>A, p.Pro41Thr (NM_001440960.1); short protein forms P87T, P41T.
Identifiers: ClinVar variation 5002630 (VCV005002630.1).
Genomic context (GRCh38, chr11:117,351,854, plus strand): 5'-GACATCACAGGTGACATTTACTATTTCAACTTCGCCAACGGGCAGTCTATGTGGGACCAT[C>A]CATGTGACGAACACTATCGGAGCTTGGTGATCCAAGAGCGGGCAAAGCTGTCAACTTCTG-3'
Protein context (NP_055771.4, residues 77-97): FANGQSMWDH[Pro87Thr]CDEHYRSLVI

ClinVar aggregate classification (germline): Uncertain significance (1 of 4 stars; one submission).

Conditions:
CEP164-related disorder. Also called: CEP164-related condition.

Submission:

PreventionGenetics, part of Exact Sciences
Classification: Uncertain significance for CEP164-related condition. Last evaluated: 2026-06-02. Review status: criteria provided, single submitter. Criteria: ACMG Guidelines, 2015. Collection method: clinical testing. Allele origin: germline.
Comment: The CEP164 c.259C>A variant is predicted to result in the amino acid substitution p.Pro87Thr. To our knowledge, this variant has not been reported in the literature. This variant is reported in 0.0033% of alleles in individuals of South Asian descent in gnomAD. At this time, the clinical significance of this variant is uncertain due to the absence of conclusive functional and genetic evidence.